The following is an entry in ClinVar:

NM_024675.4(PALB2):c.1969_1981dup (p.Pro661fs)

Gene: PALB2 (partner and localizer of BRCA2; minus strand). Cytogenetic location: 16p12.2.
Variant type: Duplication.
Coding change: c.1969_1981dup on transcript NM_024675.4 (MANE Select); coding-DNA positions 1969 to 1981, 13 bases duplicated (GAGGAACTGAGTC).
Protein change: p.Pro661fs; shifts the reading frame from proline 661.
Molecular consequence: frameshift variant.
Genome position (GRCh38, 1-based): chr16:23,630,173-23,630,185, GACTCAGTTCCTC duplicated on the plus strand (GAGGAACTGAGTC on the coding strand, the reverse complement: PALB2 is on the minus strand). VCF-style (leftmost placement, unchanged base first): chr16-23630172-G-GGACTCAGTTCCTC. GRCh37 (hg19) VCF-style: chr16-23641493-G-GGACTCAGTTCCTC.
Other names: c.1969_1981dupGAGGAACTGAGTC (NM_024675.3); short protein forms P661fs.
Identifiers: ClinVar variation 942578 (VCV000942578.11), dbSNP rs1966862408, ClinGen allele CA1139664598.
Genomic context (GRCh38, chr16:23,630,172, plus strand): 5'-TTTCCTGGTAGAACAATAAGGTCCTCTTCTAAGTCCTCCATTTCTGTATCCATGCGTTTA[G>GGACTCAGTTCCTC]GACTCAGTTCCTCTGGAAAAATACAGCTTCCCTCTTTAAGATGTCTCTCTCCAAACATTT-3'

ClinVar aggregate classification (germline): Pathogenic/Likely pathogenic. Review status: criteria provided, multiple submitters, no conflicts (2 of 4 stars). 4 submissions from 4 submitters: Pathogenic (3); Likely pathogenic (1). Last evaluated 2024-11-22.

Conditions:
Familial cancer of breast. Also called: hereditary breast carcinoma; BREAST CANCER, FAMILIAL; Hereditary breast cancer. Identifiers: Orphanet 227535, MedGen C0346153, MONDO:0016419, OMIM 114480. Disease mechanism: loss of function.
Hereditary cancer-predisposing syndrome. Also called: Hereditary neoplastic syndrome; Neoplastic Syndromes, Hereditary; Tumor predisposition; Hereditary Cancer Syndrome. Identifiers: Orphanet 140162, MedGen C0027672, MeSH D009386, MONDO:0015356.

Submissions (4):

Ambry Genetics
Classification: Pathogenic for Hereditary cancer-predisposing syndrome. Last evaluated: 2024-11-22. Review status: criteria provided, single submitter. Criteria: Ambry Variant Classification Scheme 2023. Collection method: clinical testing. Allele origin: germline.
Comment: The c.1969_1981dup13 pathogenic mutation, located in coding exon 5 of the PALB2 gene, results from a duplication of GAGGAACTGAGTC at nucleotide positions 1969 to 1981, causing a translational frameshift with a predicted alternate stop codon (p.P661Rfs*6). This alteration is expected to result in loss of function by premature protein truncation or nonsense-mediated mRNA decay. As such, this alteration is interpreted as a disease-causing mutation.

Myriad Genetics, Inc.
Classification: Pathogenic for Familial cancer of breast. Last evaluated: 2023-09-12. Review status: criteria provided, single submitter. Criteria: Myriad Autosomal Dominant, Autosomal Recessive and X-Linked Classification Criteria (2023). Collection method: clinical testing. Allele origin: unknown.
Comment: This variant is considered pathogenic. This variant creates a frameshift predicted to result in premature protein truncation.

Baylor Genetics
Classification: Likely pathogenic for Familial cancer of breast. Last evaluated: 2022-04-15. Review status: criteria provided, single submitter. Criteria: ACMG Guidelines, 2015. Collection method: clinical testing. Allele origin: unknown.

Labcorp Genetics (formerly Invitae), Labcorp
Classification: Pathogenic for Familial cancer of breast. Last evaluated: 2021-01-05. Review status: criteria provided, single submitter. Criteria: Invitae Variant Classification Sherloc (09022015). Collection method: clinical testing. Allele origin: germline.
Comment: This sequence change creates a premature translational stop signal (p.Pro661Argfs*6) in the PALB2 gene. It is expected to result in an absent or disrupted protein product. This variant is not present in population databases (ExAC no frequency). This variant has not been reported in the literature in individuals with PALB2-related conditions. Loss-of-function variants in PALB2 are known to be pathogenic (PMID: 17200668, 24136930, 25099575). For these reasons, this variant has been classified as Pathogenic.

Literature cited by the submitters: PubMed 17200668 (cited by Labcorp Genetics (formerly Invitae), Labcorp); PubMed 24136930 (cited by Labcorp Genetics (formerly Invitae), Labcorp); PubMed 25099575 (cited by Labcorp Genetics (formerly Invitae), Labcorp).